The following is an entry in ClinVar:

ClinVar aggregate classification (germline): Uncertain significance (1 of 4 stars; one submission).

gnomAD v4.1: 7 of 1,613,528 alleles (0.00043%); highest among the groups gnomAD compares: Admixed American, 0.0067%; no homozygotes.

Submission:

Labcorp Genetics (formerly Invitae), Labcorp
Classification: Uncertain significance. Last evaluated: 2025-03-04. Review status: criteria provided, single submitter. Criteria: Invitae Variant Classification Sherloc (09022015). Collection method: clinical testing. Allele origin: germline.
Comment: This sequence change replaces lysine, which is basic and polar, with glutamic acid, which is acidic and polar, at codon 235 of the MS4A1 protein (p.Lys235Glu). This variant is present in population databases (no rsID available, gnomAD 0.01%). This variant has not been reported in the literature in individuals affected with MS4A1-related conditions. An algorithm developed to predict the effect of missense changes on protein structure and function (PolyPhen-2) suggests that this variant is likely to be disruptive. In summary, the available evidence is currently insufficient to determine the role of this variant in disease. Therefore, it has been classified as a Variant of Uncertain Significance.

NM_152866.3(MS4A1):c.703A>G (p.Lys235Glu)

Gene: MS4A1 (membrane spanning 4-domains A1; plus strand). Cytogenetic location: 11q12.2.
Variant type: single nucleotide variant.
Coding change: c.703A>G on transcript NM_152866.3 (MANE Select); coding-DNA position 703, A replaced by G.
Protein change: p.Lys235Glu; replaces lysine 235 with glutamic acid.
Molecular consequence: missense variant.
Genome position (GRCh38, 1-based): chr11:60,468,277, A>G. VCF-style: chr11-60468277-A-G. GRCh37 (hg19) VCF-style: chr11-60235750-A-G.
Other names: c.703A>G, p.Lys235Glu (NM_021950.4, NM_152867.2); short protein forms K235E.
Identifiers: ClinVar variation 3613464 (VCV003613464.2).